The following is an entry in ClinVar:

NM_001291415.2(KDM6A):c.3925G>C (p.Glu1309Gln)

Gene: KDM6A (lysine demethylase 6A; plus strand). Cytogenetic location: Xp11.3.
Variant type: single nucleotide variant.
Coding change: c.3925G>C on transcript NM_001291415.2 (MANE Select); coding-DNA position 3925, G replaced by C.
Protein change: p.Glu1309Gln; replaces glutamic acid 1309 with glutamine.
Molecular consequence: missense variant. On other transcripts: non-coding transcript variant (1).
Genome position (GRCh38, 1-based): chrX:45,090,755, G>C. VCF-style: chrX-45090755-G-C. GRCh37 (hg19) VCF-style: chrX-44950000-G-C.
Other names: c.3790G>C, p.Glu1264Gln (NM_001291416.2, NM_001419811.1); c.3634G>C, p.Glu1212Gln (NM_001291417.2); c.3532G>C, p.Glu1178Gln (NM_001291418.2, NM_001419815.1); c.2881G>C, p.Glu961Gln (NM_001291421.2); c.3667G>C, p.Glu1223Gln (NM_001410742.1, NM_001419814.1); c.3925G>C, p.Glu1309Gln (NM_001419809.1); c.3823G>C, p.Glu1275Gln (NM_001419810.1, NM_001419813.1); c.3769G>C, p.Glu1257Gln (NM_001419812.1, NM_021140.4); short protein forms E1178Q, E1212Q, E1223Q, E1257Q, E1264Q, E1275Q, E1309Q, E961Q.
Identifiers: ClinVar variation 4057015 (VCV004057015.1).
Genomic context (GRCh38, chrX:45,090,755, plus strand): 5'-GCTTTATAACTGTTTTTTTTTTTCCTAGCCTGCCAGTATAAATTGGCAGTGGAACGGTAC[G>C]AATGGAACAAATTGCAAAGTGTGAAGTCAATAGTACCCATGGTTCATCTTTCCTGGAATA-3'
Protein context (NP_001278344.1, residues 1299-1319): CQYKLAVERY[Glu1309Gln]WNKLQSVKSI

ClinVar aggregate classification (germline): Uncertain significance (1 of 4 stars; one submission).

Submission:

GeneDx
Classification: Uncertain significance. Last evaluated: 2025-01-13. Review status: criteria provided, single submitter. Criteria: GeneDx Variant Classification Process June 2021. Collection method: clinical testing. Allele origin: germline. Affected: yes.
Comment: Not observed at significant frequency in large population cohorts (gnomAD); In silico analysis indicates that this missense variant does not alter protein structure/function; Has not been previously published as pathogenic or benign to our knowledge